The following is an entry in ClinVar:

ClinVar aggregate classification (germline): Likely benign. Review status: criteria provided, multiple submitters, no conflicts (2 of 4 stars). 4 submissions from 4 submitters: Likely benign (4). Last evaluated 2024-03-14.

Conditions:
Hereditary breast ovarian cancer syndrome. Also called: BRCA1- and BRCA2-Associated Hereditary Breast and Ovarian Cancer; Hereditary breast and ovarian cancer syndrome; Hereditary breast and/or ovarian cancer syndrome; Hereditary breast and ovarian cancer; Hereditary breast and ovarian cancer syndrome (HBOC); Breast and ovarian cancer. Identifiers: Orphanet 145, MedGen C0677776, MeSH D061325, MONDO:0003582. Disease mechanism: loss of function.
Hereditary cancer-predisposing syndrome. Also called: Tumor predisposition; Neoplastic Syndromes, Hereditary; Hereditary Cancer Syndrome; Hereditary neoplastic syndrome. Identifiers: Orphanet 140162, MedGen C0027672, MeSH D009386, MONDO:0015356.
BRCA1-related cancer predisposition. Identifiers: MedGen CN377757, MONDO:0700268.

Allele frequency attached by ClinVar (database versions not stated): gnomAD exomes below 0.00001.
gnomAD v4.1: 3 of 1,614,184 alleles (0.00019%); highest among the groups gnomAD compares: Non-Finnish European, 0.00025%; no homozygotes.

Submissions (4):

All of Us Research Program, National Institutes of Health
Classification: Likely benign for BRCA1-related cancer predisposition. Last evaluated: 2024-03-14. Review status: criteria provided, single submitter. Criteria: ACMG Guidelines, 2015. Collection method: clinical testing. Allele origin: germline. Inheritance: Autosomal dominant inheritance. Observed: 1 variant allele, 1 heterozygote.
Comment: This study involves interpretation of variants in research participants for the purpose of population health screening. Participant phenotype was not available at the time of variant classification. Additional details can be found in publication PMID: 35346344, PMCID: PMC8962531

Labcorp Genetics (formerly Invitae), Labcorp
Classification: Likely benign for Hereditary breast ovarian cancer syndrome. Last evaluated: 2024-02-22. Review status: criteria provided, single submitter. Criteria: Invitae Variant Classification Sherloc (09022015). Collection method: clinical testing. Allele origin: germline.

Quest Diagnostics Nichols Institute San Juan Capistrano
Classification: Likely benign. Last evaluated: 2022-12-13. Review status: criteria provided, single submitter. Criteria: Quest Diagnostics criteria. Collection method: clinical testing. Allele origin: unknown.

Ambry Genetics
Classification: Likely benign for Hereditary cancer-predisposing syndrome. Last evaluated: 2019-05-15. Review status: criteria provided, single submitter. Criteria: Ambry Variant Classification Scheme 2023. Collection method: clinical testing. Allele origin: germline.

NM_007294.4(BRCA1):c.3771G>A (p.Glu1257=)

Genes: BRCA1 (BRCA1 DNA repair associated; minus strand), LOC126862571 (BRD4-independent group 4 enhancer GRCh37_chr17:41243136-41244335; plus strand). Cytogenetic location: 17q21.31.
Variant type: single nucleotide variant.
Coding change: c.3771G>A on transcript NM_007294.4 (MANE Select); coding-DNA position 3771, G replaced by A.
Protein change: p.Glu1257=; no amino-acid change (glutamic acid 1257 retained).
Molecular consequence: synonymous variant. On other transcripts: intron variant (135).
Genome position (GRCh38, 1-based): chr17:43,091,760, C>T on the plus strand (G>A on the coding strand, the complement: BRCA1 is on the minus strand). VCF-style: chr17-43091760-C-T. GRCh37 (hg19) VCF-style: chr17-41243777-C-T.
Other names: c.788-728G>A (NM_001408404.1, NM_001408472.1, NM_001407990.1 and 17 more transcripts); c.3648G>A, p.Glu1216= (NM_001407668.1, NM_001407669.1, NM_001407674.1 and 19 more transcripts); c.524-728G>A (NM_001408500.1, NM_001408497.1, NM_001408501.1 and 3 more transcripts); c.404-728G>A (NM_001408511.1); c.647-728G>A (NM_001408466.1, NM_001408452.1, NM_001408455.1 and 11 more transcripts); c.578-728G>A (NM_001408513.1, NM_001408492.1, NM_001408483.1 and 9 more transcripts); c.521-728G>A (NM_001408503.1, NM_001408505.1, NM_001408504.1); c.3645G>A, p.Glu1215= (NM_001407670.1, NM_001407672.1, NM_001407673.1 and 11 more transcripts); and 41 more.
Identifiers: ClinVar variation 798841 (VCV000798841.19), dbSNP rs1597861430, ClinGen allele CA500232211.
Genomic context (GRCh38, chr17:43,091,760, plus strand): 5'-TGCCAATATTACCTGGTTACTGCAGTCATTTAAGCTATTCTTCAATGATAATAAATTCTC[C>T]TCTGTGTTCTTAGACAGACACTCGGTAGCAACGGTGCTATGCCTAGTAGACTGAGAAGGT-3'
Protein context (NP_009225.1, residues 1247-1267): VATECLSKNT[Glu1257=]ENLLSLKNSL